The following is an entry in ClinVar:

NM_001001957.2(OR2W3):c.626C>T (p.Ser209Phe)

Gene: OR2W3 (olfactory receptor family 2 subfamily W member 3; plus strand). Cytogenetic location: 1q44.
Variant type: single nucleotide variant.
Coding change: c.626C>T on transcript NM_001001957.2 (MANE Select); coding-DNA position 626, C replaced by T.
Protein change: p.Ser209Phe; replaces serine 209 with phenylalanine.
Molecular consequence: missense variant.
Genome position (GRCh38, 1-based): chr1:247,896,212, C>T. VCF-style: chr1-247896212-C-T. GRCh37 (hg19) VCF-style: chr1-248059514-C-T.
Other names: short protein forms S209F.
Identifiers: ClinVar variation 1943758 (VCV001943758.6), dbSNP rs1362662376, ClinGen allele CA345594643.
Genomic context (GRCh38, chr1:247,896,212, plus strand): 5'-GCGTCAGCACTGTGGCCATCGAAGGCACCGTCTTTGTCCTGGCGGTGGGTGTTGTGCTGT[C>T]CCCCTTGGTGTTTATCCTGCTCTCTTACAGCTACATTGTGAGGGCTGTGTTACAAATTCG-3'
Protein context (NP_001001957.2, residues 199-219): VFVLAVGVVL[Ser209Phe]PLVFILLSYS

ClinVar aggregate classification (germline): Uncertain significance. Review status: criteria provided, multiple submitters, no conflicts (2 of 4 stars). 2 submissions from 2 submitters: Uncertain significance (2). Last evaluated 2025-06-09.

Submissions (2):

Ambry Genetics
Classification: Uncertain significance. Last evaluated: 2025-06-09. Review status: criteria provided, single submitter. Criteria: Ambry Variant Classification Scheme 2023. Collection method: clinical testing. Allele origin: germline.

Labcorp Genetics (formerly Invitae), Labcorp
Classification: Uncertain significance. Last evaluated: 2024-02-06. Review status: criteria provided, single submitter. Criteria: Invitae Variant Classification Sherloc (09022015). Collection method: clinical testing. Allele origin: germline.
Comment: This sequence change replaces serine, which is neutral and polar, with phenylalanine, which is neutral and non-polar, at codon 209 of the OR2W3 protein (p.Ser209Phe). This variant is present in population databases (no rsID available, gnomAD 0.0009%). This variant has not been reported in the literature in individuals affected with OR2W3-related conditions. ClinVar contains an entry for this variant (Variation ID: 1943758). An algorithm developed to predict the effect of missense changes on protein structure and function (PolyPhen-2) suggests that this variant is likely to be tolerated. In summary, the available evidence is currently insufficient to determine the role of this variant in disease. Therefore, it has been classified as a Variant of Uncertain Significance.